The following is an entry in ClinVar:

NM_005585.5(SMAD6):c.589del (p.Ser197fs)

Gene: SMAD6 (SMAD family member 6; plus strand). Cytogenetic location: 15q22.31.
Variant type: Deletion.
Coding change: c.589del on transcript NM_005585.5 (MANE Select); coding-DNA position 589, one base deleted (T; older notation c.589delT).
Protein change: p.Ser197fs; shifts the reading frame from serine 197.
Molecular consequence: frameshift variant. On other transcripts: non-coding transcript variant (1).
Genome position (GRCh38, 1-based): chr15:66,703,847, T deleted. VCF-style (leftmost placement, unchanged base first): chr15-66703846-GT-G. GRCh37 (hg19) VCF-style: chr15-66996184-GT-G.
Other names: short protein forms S197fs.
Identifiers: ClinVar variation 690424 (VCV000690424.2), dbSNP rs1595757203, ClinGen allele CA915946060.

ClinVar aggregate classification (germline): Pathogenic (0 of 4 stars; one submission).

Conditions:
Radioulnar synostosis. Also called: Congenital radioulnar synostosis. Identifiers: Orphanet 3269, MedGen C0158761, MONDO:0017985, HP:0002974.

Submission:

The Laboratory of Genetics and Metabolism, Hunan Children’s Hospital
Classification: Pathogenic for radioulnar synostosis. Last evaluated: 2019-05-14. Review status: no assertion criteria provided. Collection method: case-control. Allele origin: de novo. Affected: yes.
Comment: PVS1, PS2, PM2, PP4